The following is an entry in ClinVar:

NM_022168.4(IFIH1):c.789_804del (p.Glu264fs)

Gene: IFIH1 (interferon induced with helicase C domain 1; minus strand). Cytogenetic location: 2q24.2.
Variant type: Deletion.
Coding change: c.789_804del on transcript NM_022168.4 (MANE Select); coding-DNA positions 789 to 804, 16 bases deleted (AGAAGGAAGTGTCAGC).
Protein change: p.Glu264fs; shifts the reading frame from glutamic acid 264.
Molecular consequence: frameshift variant.
Genome position (GRCh38, 1-based): chr2:162,293,634-162,293,649, GCTGACACTTCCTTCT deleted on the plus strand (AGAAGGAAGTGTCAGC on the coding strand, the reverse complement: IFIH1 is on the minus strand); deleting any 16 consecutive bases within chr2:162,293,634-162,293,651 gives the same sequence; the c. name uses the placement nearest the transcript's 3' end. VCF-style (leftmost placement, unchanged base first): chr2-162293633-AGCTGACACTTCCTTCT-A. GRCh37 (hg19) VCF-style: chr2-163150143-AGCTGACACTTCCTTCT-A.
Other names: short protein forms E264fs.
Identifiers: ClinVar variation 2571090 (VCV002571090.27), dbSNP rs2468978128, ClinGen allele CA2580614374.
Genomic context (GRCh38, chr2:162,293,633, plus strand): 5'-TTCCCATGGTGCCTGAATCACTGCCCATGTTGCTGTTATGTCCAAGACTTTCATCTAAGC[AGCTGACACTTCCTTCT>A]GCCAAACTTGTGTCTGATTCTGCAAAGGAAAACATTTTAAAATATTTTTAAAATATTTCT-3'

ClinVar aggregate classification (germline): Uncertain significance (1 of 4 stars; one submission).

Submission:

CeGaT Center for Human Genetics Tuebingen
Classification: Uncertain significance. Last evaluated: 2023-04-01. Review status: criteria provided, single submitter. Criteria: CeGaT Center For Human Genetics Tuebingen Variant Classification Criteria Version 2. Collection method: clinical testing. Allele origin: germline. Affected: yes. Observed: 1 variant allele.
Comment: IFIH1: PM2